The following is an entry in ClinVar:

NM_001321967.2(ATAD1):c.256A>G (p.Met86Val)

Gene: ATAD1 (ATPase family AAA domain containing 1; minus strand). Cytogenetic location: 10q23.31.
Variant type: single nucleotide variant.
Coding change: c.256A>G on transcript NM_001321967.2 (MANE Select); coding-DNA position 256, A replaced by G.
Protein change: p.Met86Val; replaces methionine 86 with valine.
Molecular consequence: missense variant. On other transcripts: 5 prime UTR variant (1), non-coding transcript variant (1).
Genome position (GRCh38, 1-based): chr10:87,792,662, T>C on the plus strand (A>G on the coding strand, the complement: ATAD1 is on the minus strand). VCF-style: chr10-87792662-T-C. GRCh37 (hg19) VCF-style: chr10-89552419-T-C.
Other names: c.256A>G, p.Met86Val (NM_001321968.2, NM_032810.4); c.-192A>G (NM_001321969.2); short protein forms M86V.
Identifiers: ClinVar variation 1369673 (VCV001369673.8), dbSNP rs1856185459, ClinGen allele CA377492281.

ClinVar aggregate classification (germline): Uncertain significance (1 of 4 stars; one submission).

Submission:

Labcorp Genetics (formerly Invitae), Labcorp
Classification: Uncertain significance. Last evaluated: 2021-07-25. Review status: criteria provided, single submitter. Criteria: Invitae Variant Classification Sherloc (09022015). Collection method: clinical testing. Allele origin: germline.
Comment: This sequence change replaces methionine with valine at codon 86 of the ATAD1 protein (p.Met86Val). The methionine residue is moderately conserved and there is a small physicochemical difference between methionine and valine. In summary, the available evidence is currently insufficient to determine the role of this variant in disease. Therefore, it has been classified as a Variant of Uncertain Significance. Algorithms developed to predict the effect of missense changes on protein structure and function are either unavailable or do not agree on the potential impact of this missense change (SIFT: "Not Available"; PolyPhen-2: "Benign"; Align-GVGD: "Not Available"). This variant has not been reported in the literature in individuals affected with ATAD1-related conditions. This variant is not present in population databases (ExAC no frequency).